The following is an entry in ClinVar:

ClinVar aggregate classification (germline): Uncertain significance (1 of 4 stars; one submission).

Allele frequency attached by ClinVar (database versions not stated): gnomAD exomes below 0.00001; ExAC 0.00001.
gnomAD v4.1: 6 of 1,613,734 alleles (0.00037%); highest among the groups gnomAD compares: Non-Finnish European, 0.00051%; no homozygotes.

Submission:

Labcorp Genetics (formerly Invitae), Labcorp
Classification: Uncertain significance. Last evaluated: 2024-02-17. Review status: criteria provided, single submitter. Criteria: Invitae Variant Classification Sherloc (09022015). Collection method: clinical testing. Allele origin: germline.
Comment: This sequence change replaces asparagine, which is neutral and polar, with aspartic acid, which is acidic and polar, at codon 1612 of the CCDC88A protein (p.Asn1612Asp). This variant is present in population databases (rs764784534, gnomAD 0.0009%). This variant has not been reported in the literature in individuals affected with CCDC88A-related conditions. ClinVar contains an entry for this variant (Variation ID: 2088583). An algorithm developed to predict the effect of missense changes on protein structure and function (PolyPhen-2) suggests that this variant is likely to be tolerated. In summary, the available evidence is currently insufficient to determine the role of this variant in disease. Therefore, it has been classified as a Variant of Uncertain Significance.

NM_001365480.1(CCDC88A):c.4837A>G (p.Asn1613Asp)

Gene: CCDC88A (coiled-coil and HOOK domain protein 88A; minus strand). Cytogenetic location: 2p16.1.
Variant type: single nucleotide variant.
Coding change: c.4837A>G on transcript NM_001365480.1 (MANE Select); coding-DNA position 4837, A replaced by G.
Protein change: p.Asn1613Asp; replaces asparagine 1613 with aspartic acid.
Molecular consequence: missense variant.
Genome position (GRCh38, 1-based): chr2:55,296,512, T>C on the plus strand (A>G on the coding strand, the complement: CCDC88A is on the minus strand). VCF-style: chr2-55296512-T-C. GRCh37 (hg19) VCF-style: chr2-55523648-T-C.
Other names: c.4834A>G, p.Asn1612Asp (NM_001135597.2, NM_001254943.2); c.4753A>G, p.Asn1585Asp (NM_018084.5); short protein forms N1585D, N1613D, N1612D.
Identifiers: ClinVar variation 2088583 (VCV002088583.4), dbSNP rs764784534, ClinGen allele CA1665445.